The following is an entry in ClinVar:

ClinVar aggregate classification (germline): Uncertain significance. Review status: criteria provided, multiple submitters, no conflicts (2 of 4 stars). 2 submissions from 2 submitters: Uncertain significance (2). Last evaluated 2023-07-20.

Conditions:
GRN-related disorder. Also called: GRN-related disorders; GRN-related condition.
GRN-related frontotemporal lobar degeneration with Tdp43 inclusions (FTD2). Also called: FRONTOTEMPORAL DEMENTIA WITH TDP43 INCLUSIONS, GRN-RELATED; GRN Frontotemporal Dementia; DEMENTIA, HEREDITARY DYSPHASIC DISINHIBITION; FRONTOTEMPORAL LOBAR DEGENERATION WITH UBIQUITIN-POSITIVE INCLUSIONS; FTLD-TDP, GRN-RELATED. Identifiers: Orphanet 100070, Orphanet 282, MedGen C1843792, MONDO:0011842, OMIM 607485. Disease mechanism: loss of function.
Neuronal ceroid lipofuscinosis 11. Also called: GRN-Related Neuronal Ceroid-Lipofuscinosis. Identifiers: Orphanet 314629, Orphanet 79262, MedGen C3539123, MONDO:0013866, OMIM 614706.

Allele frequency attached by ClinVar (database versions not stated): ExAC 0.00001; gnomAD exomes 0.00001 and 0.00002; gnomAD 0.00002.
gnomAD v4.1: 31 of 1,613,734 alleles (0.0019%); highest among the groups gnomAD compares: African/African-American, 0.0027%; no homozygotes.

Submissions (2):

PreventionGenetics, part of Exact Sciences
Classification: Uncertain significance for GRN-related condition. Last evaluated: 2023-07-20. Review status: criteria provided, single submitter. Criteria: ACMG Guidelines, 2015. Collection method: clinical testing. Allele origin: germline.
Comment: The GRN c.502G>A variant is predicted to result in the amino acid substitution p.Gly168Ser. This variant has been detected in an individual with frontotemporal dementia and motor neuron disease with a negative family history (Pickering-Brown SM et al 2008. PubMed ID: 18192287). This variant is reported in 0.0099% of alleles in individuals of Ashkenazi Jewish descent in gnomAD. At this time, the clinical significance of this variant is uncertain due to the absence of conclusive functional and genetic evidence.

Labcorp Genetics (formerly Invitae), Labcorp
Classification: Uncertain significance for Neuronal ceroid lipofuscinosis 11; GRN-related frontotemporal lobar degeneration with Tdp43 inclusions. Last evaluated: 2022-05-11. Review status: criteria provided, single submitter. Criteria: Invitae Variant Classification Sherloc (09022015). Collection method: clinical testing. Allele origin: germline.
Comment: This sequence change replaces glycine, which is neutral and non-polar, with serine, which is neutral and polar, at codon 168 of the GRN protein (p.Gly168Ser). This variant is present in population databases (rs753070659, gnomAD 0.01%). This missense change has been observed in individual(s) with clinical features of frontotemporal dementia (PMID: 18192287). Algorithms developed to predict the effect of missense changes on protein structure and function are either unavailable or do not agree on the potential impact of this missense change (SIFT: "Tolerated"; PolyPhen-2: "Probably Damaging"; Align-GVGD: "Class C0"). Algorithms developed to predict the effect of sequence changes on RNA splicing suggest that this variant may create or strengthen a splice site. In summary, the available evidence is currently insufficient to determine the role of this variant in disease. Therefore, it has been classified as a Variant of Uncertain Significance.

Literature cited by the submitters: PubMed 18192287 (cited by Labcorp Genetics (formerly Invitae), Labcorp).

NM_002087.4(GRN):c.502G>A (p.Gly168Ser)

Gene: GRN (granulin precursor; plus strand). Cytogenetic location: 17q21.31.
Variant type: single nucleotide variant.
Coding change: c.502G>A on transcript NM_002087.4 (MANE Select); coding-DNA position 502, G replaced by A.
Protein change: p.Gly168Ser; replaces glycine 168 with serine.
Molecular consequence: missense variant.
Genome position (GRCh38, 1-based): chr17:44,350,481, G>A. VCF-style: chr17-44350481-G-A. GRCh37 (hg19) VCF-style: chr17-42427849-G-A.
Other names: c.502G>A (NM_002087.3); short protein forms G168S.
Identifiers: ClinVar variation 1511377 (VCV001511377.6), dbSNP rs753070659, ClinGen allele CA8601921.